The following is an entry in ClinVar:

ClinVar aggregate classification (germline): Likely benign. Review status: criteria provided, multiple submitters, no conflicts (2 of 4 stars). 5 submissions from 5 submitters: Likely benign (5). Last evaluated 2025-08-25.

Conditions:
Hypercholesterolemia, autosomal dominant, 3 (FHCL3). Also called: Familial Hypercholesterolemia, Autosomal Dominant, 3; PCSK9-Related Familial Hypercholesterolemia, Autosomal Dominant; Familial hypercholesterolemia 3. Identifiers: MedGen C1863551, MONDO:0011369, OMIM 603776.
Familial hypercholesterolemia. Also called: Familial hypercholesterolemias; Familial hypercholesterolaemia. Identifiers: MedGen C0020445, MONDO:0005439.
Cardiovascular phenotype. Identifiers: MedGen CN230736.

Allele frequency attached by ClinVar (database versions not stated): gnomAD exomes 0.00001 and 0.00010; TOPMed 0.00002; gnomAD 0.00003 and 0.00004.
gnomAD v4.1: 140 of 1,553,596 alleles (0.009%); highest among the groups gnomAD compares: Non-Finnish European, 0.011%; 1 homozygote.

Submissions (5):

Labcorp Genetics (formerly Invitae), Labcorp
Classification: Likely benign for Hypercholesterolemia, autosomal dominant, 3. Last evaluated: 2025-08-25. Review status: criteria provided, single submitter. Criteria: Invitae Variant Classification Sherloc (09022015). Collection method: clinical testing. Allele origin: germline.

GENinCode PLC
Classification: Likely benign for Familial hypercholesterolemia. Last evaluated: 2024-01-17. Review status: criteria provided, single submitter. Criteria: ACMG Guidelines, 2015. Collection method: clinical testing. Allele origin: germline.
Comment: This is a synonymous (silent) variant that is not predicted by SpliceAI to impact splicing. In addition, it occurs at a nucleotide that is not conserved. Therefore this variant has been classified as Likely Benign (BP4, BP7).

All of Us Research Program, National Institutes of Health
Classification: Likely benign for Hypercholesterolemia, autosomal dominant, 3. Last evaluated: 2023-12-13. Review status: criteria provided, single submitter. Criteria: ACMG Guidelines, 2015. Collection method: clinical testing. Allele origin: germline. Inheritance: Autosomal dominant inheritance. Observed: 18 variant alleles, 18 heterozygotes.
Comment: This study involves interpretation of variants in research participants for the purpose of population health screening. Participant phenotype was not available at the time of variant classification. Additional details can be found in publication PMID: 35346344, PMCID: PMC8962531

Ambry Genetics
Classification: Likely benign for Cardiovascular phenotype. Last evaluated: 2022-06-22. Review status: criteria provided, single submitter. Criteria: Ambry Variant Classification Scheme 2023. Collection method: clinical testing. Allele origin: germline.

Color Diagnostics, LLC DBA Color Health
Classification: Likely benign for Familial hypercholesterolemia. Last evaluated: 2019-02-28. Review status: criteria provided, single submitter. Criteria: ACMG Guidelines, 2015. Collection method: clinical testing. Allele origin: germline.

NM_174936.4(PCSK9):c.1605C>T (p.Ser535=)

Gene: PCSK9 (proprotein convertase subtilisin/kexin type 9; plus strand). Cytogenetic location: 1p32.3.
Variant type: single nucleotide variant.
Coding change: c.1605C>T on transcript NM_174936.4 (MANE Select); coding-DNA position 1605, C replaced by T.
Protein change: p.Ser535=; no amino-acid change (serine 535 retained).
Molecular consequence: synonymous variant. On other transcripts: non-coding transcript variant (7), intron variant (1).
Genome position (GRCh38, 1-based): chr1:55,059,587, C>T. VCF-style: chr1-55059587-C-T. GRCh37 (hg19) VCF-style: chr1-55525260-C-T.
Other names: c.1728C>T, p.Ser576= (NM_001407240.1); c.1647C>T, p.Ser549= (NM_001407241.1); c.1608C>T, p.Ser536= (NM_001407242.1); c.1548C>T, p.Ser516= (NM_001407243.1); c.1431C>T, p.Ser477= (NM_001407244.1); c.1413C>T, p.Ser471= (NM_001407245.1); c.1230C>T, p.Ser410= (NM_001407246.1); c.1181-1788C>T (NM_001407247.1).
Identifiers: ClinVar variation 698468 (VCV000698468.18), dbSNP rs751405776, ClinGen allele CA22765599.
Genomic context (GRCh38, chr1:55,059,587, plus strand): 5'-TGGGGGTGAGGGTGTCTACGCCATTGCCAGGTGCTGCCTGCTACCCCAGGCCAACTGCAG[C>T]GTCCACACAGCTCCACCAGCTGAGGCCAGCATGGGGACCCGTGTCCACTGCCACCAACAG-3'
Protein context (NP_777596.2, residues 525-545): RCCLLPQANC[Ser535=]VHTAPPAEAS